The following is an entry in ClinVar:

ClinVar aggregate classification (germline): Likely benign. Review status: criteria provided, multiple submitters, no conflicts (2 of 4 stars). 2 submissions from 2 submitters: Likely benign (2). Last evaluated 2026-09-15.

Conditions:
AIFM1-related disorder. Also called: AIFM1-related condition.
Charcot-Marie-Tooth Neuropathy X. Identifiers: MedGen CN118851.
Combined oxidative phosphorylation deficiency. Identifiers: MedGen C4540031, MONDO:0000732.

Allele frequency attached by ClinVar (database versions not stated): ExAC 0.00001; gnomAD exomes 0.00002; gnomAD 0.00003; 1000 Genomes Project 30x 0.00042; 1000 Genomes Project 0.00053.
gnomAD v4.1: 26 of 1,210,338 alleles (0.0021%); highest among the groups gnomAD compares: South Asian, 0.044%; no homozygotes.

Submissions (2):

PreventionGenetics, part of Exact Sciences
Classification: Likely benign for AIFM1-related condition. Last evaluated: 2026-09-15. Review status: criteria provided, single submitter. Criteria: ACMG Guidelines, 2015. Collection method: clinical testing. Allele origin: germline.
Comment: This variant is classified as likely benign based on ACMG/AMP sequence variant interpretation guidelines (Richards et al. 2015 PMID: 25741868, with internal and published modifications).

Labcorp Genetics (formerly Invitae), Labcorp
Classification: Likely benign for Charcot-Marie-Tooth Neuropathy X; Combined oxidative phosphorylation deficiency. Last evaluated: 2025-02-24. Review status: criteria provided, single submitter. Criteria: Invitae Variant Classification Sherloc (09022015). Collection method: clinical testing. Allele origin: germline.

NM_004208.4(AIFM1):c.552C>T (p.Asp184=)

Genes: AIFM1 (apoptosis inducing factor mitochondria associated 1; minus strand), RAB33A (RAB33A, member RAS oncogene family; plus strand). Cytogenetic location: Xq26.1.
Variant type: single nucleotide variant.
Coding change: c.552C>T on transcript NM_004208.4 (MANE Select); coding-DNA position 552, C replaced by T.
Protein change: p.Asp184=; no amino-acid change (aspartic acid 184 retained).
Molecular consequence: synonymous variant. On other transcripts: non-coding transcript variant (1).
Genome position (GRCh38, 1-based): chrX:130,147,546, G>A on the plus strand (C>T on the coding strand, the complement: AIFM1 is on the minus strand). VCF-style: chrX-130147546-G-A. GRCh37 (hg19) VCF-style: chrX-129281521-G-A.
Other names: c.552C>T, p.Asp184= (NM_001130847.4); c.540C>T, p.Asp180= (NM_145812.3); c.552C>T (NM_004208.3).
Identifiers: ClinVar variation 2051446 (VCV002051446.5), dbSNP rs762588571, ClinGen allele CA10515439.